The following is an entry in ClinVar:

NM_021098.3(CACNA1H):c.3680A>C (p.Asp1227Ala)

Gene: CACNA1H (calcium voltage-gated channel subunit alpha1 H; plus strand). Cytogenetic location: 16p13.3.
Variant type: single nucleotide variant.
Coding change: c.3680A>C on transcript NM_021098.3 (MANE Select); coding-DNA position 3680, A replaced by C.
Protein change: p.Asp1227Ala; replaces aspartic acid 1227 with alanine.
Molecular consequence: missense variant.
Genome position (GRCh38, 1-based): chr16:1,209,348, A>C. VCF-style: chr16-1209348-A-C. GRCh37 (hg19) VCF-style: chr16-1259348-A-C.
Other names: c.3680A>C, p.Asp1227Ala (NM_001005407.2); short protein forms D1227A.
Identifiers: ClinVar variation 4783017 (VCV004783017.1).

ClinVar aggregate classification (germline): Uncertain significance (1 of 4 stars; one submission).

Conditions:
Idiopathic generalized epilepsy. Also called: EIG; Generalised epilepsy. Identifiers: MedGen C0270850, MONDO:0005579, OMIM 600669.
Hyperaldosteronism, familial, type IV (HALD4). Also called: FH IV; ALDOSTERONISM, PRIMARY, AND HYPERTENSION. Identifiers: Orphanet 642671, MedGen C4310756, MONDO:0014875, OMIM 617027.

Submission:

Labcorp Genetics (formerly Invitae), Labcorp
Classification: Uncertain significance for Idiopathic generalized epilepsy; Hyperaldosteronism, familial, type IV. Last evaluated: 2025-02-23. Review status: criteria provided, single submitter. Criteria: Invitae Variant Classification Sherloc (09022015). Collection method: clinical testing. Allele origin: germline.
Comment: This sequence change replaces aspartic acid, which is acidic and polar, with alanine, which is neutral and non-polar, at codon 1227 of the CACNA1H protein (p.Asp1227Ala). This variant is not present in population databases (gnomAD no frequency). This variant has not been reported in the literature in individuals affected with CACNA1H-related conditions. Invitae Evidence Modeling of protein sequence and biophysical properties (such as structural, functional, and spatial information, amino acid conservation, physicochemical variation, residue mobility, and thermodynamic stability) indicates that this missense variant is not expected to disrupt CACNA1H protein function with a negative predictive value of 80%. In summary, the available evidence is currently insufficient to determine the role of this variant in disease. Therefore, it has been classified as a Variant of Uncertain Significance.